The following is an entry in ClinVar:

ClinVar aggregate classification (germline): Uncertain significance (1 of 4 stars; one submission).

Conditions:
Severe myoclonic epilepsy in infancy (DRVT). Also called: SEVERE MYOCLONIC EPILEPSY OF INFANCY; DEVELOPMENTAL AND EPILEPTIC ENCEPHALOPATHY 6A; Severe Myoclonic Epilepsy in Infancy (SMEI); Dravet syndrome; Epileptic encephalopathy, early infantile, 6 (Dravet syndrome). Identifiers: Orphanet 33069, MedGen C0751122, MONDO:0100135, OMIM 607208.

gnomAD v4.1: 2 of 1,424,268 alleles (0.00014%); highest among the groups gnomAD compares: East Asian, 0.0028%; no homozygotes.

Submission:

Labcorp Genetics (formerly Invitae), Labcorp
Classification: Uncertain significance for Severe myoclonic epilepsy in infancy. Last evaluated: 2022-08-09. Review status: criteria provided, single submitter. Criteria: Invitae Variant Classification Sherloc (09022015). Collection method: clinical testing. Allele origin: germline.
Comment: In summary, the available evidence is currently insufficient to determine the role of this variant in disease. Therefore, it has been classified as a Variant of Uncertain Significance. Algorithms developed to predict the effect of missense changes on protein structure and function are either unavailable or do not agree on the potential impact of this missense change (SIFT: "Deleterious"; PolyPhen-2: "Probably Damaging"; Align-GVGD: "Class C0"). ClinVar contains an entry for this variant (Variation ID: 650451). This variant has not been reported in the literature in individuals affected with SNX27-related conditions. This variant is not present in population databases (gnomAD no frequency). This sequence change replaces glycine, which is neutral and non-polar, with tryptophan, which is neutral and slightly polar, at codon 87 of the SNX27 protein (p.Gly87Trp).

NM_001330723.2(SNX27):c.259G>T (p.Gly87Trp)

Gene: SNX27 (sorting nexin 27; plus strand). Cytogenetic location: 1q21.3.
Variant type: single nucleotide variant.
Coding change: c.259G>T on transcript NM_001330723.2 (MANE Select); coding-DNA position 259, G replaced by T.
Protein change: p.Gly87Trp; replaces glycine 87 with tryptophan.
Molecular consequence: missense variant.
Genome position (GRCh38, 1-based): chr1:151,612,460, G>T. VCF-style: chr1-151612460-G-T. GRCh37 (hg19) VCF-style: chr1-151584936-G-T.
Other names: c.259G>T, p.Gly87Trp (NM_030918.6); short protein forms G87W.
Identifiers: ClinVar variation 650451 (VCV000650451.9), dbSNP rs750944911, ClinGen allele CA1093367.
Genomic context (GRCh38, chr1:151,612,460, plus strand): 5'-CTGCGGAGCATCAACGGGGAGCTGTACGCGCCGCTGCAGCATGTGAGCGCCGTGCTGCCC[G>T]GGGGGGCGGCCGATCGGGCCGGGGTGCGCAAGGGGGACCGCATCCTGGAGGTGTGAGTAT-3'
Protein context (NP_001317652.1, residues 77-97): PLQHVSAVLP[Gly87Trp]GAADRAGVRK